The following is an entry in ClinVar:

NM_012062.5(DNM1L):c.1079+10A>G

Gene: DNM1L (dynamin 1L; plus strand). Cytogenetic location: 12p11.21.
Variant type: single nucleotide variant.
Coding change: c.1079+10A>G on transcript NM_012062.5 (MANE Select); 10 bases into the intron after coding-DNA position 1079, A replaced by G.
Molecular consequence: intron variant.
Genome position (GRCh38, 1-based): chr12:32,722,643, A>G. VCF-style: chr12-32722643-A-G. GRCh37 (hg19) VCF-style: chr12-32875577-A-G.
Other names: c.1118+10A>G (NM_001278464.2, NM_001278465.2, NM_001330380.2); c.470+10A>G (NM_001278466.2); c.1079+10A>G (NM_001278463.2, NM_012063.4, NM_005690.5).
Identifiers: ClinVar variation 377784 (VCV000377784.14), dbSNP rs7137182, ClinGen allele CA6507453.

ClinVar aggregate classification (germline): Benign/Likely benign. Review status: criteria provided, multiple submitters, no conflicts (2 of 4 stars). 4 submissions from 4 submitters: Benign (2); Likely benign (1). 1 of the submissions does not count toward it. Last evaluated 2026-01-19.

Conditions:
DNM1L-related disorder. Also called: DNM1L-related condition.

Allele frequency attached by ClinVar (database versions not stated): gnomAD exomes 0.00023 and 0.00060; ExAC 0.00073; 1000 Genomes Project 30x 0.00187; gnomAD 0.00191; 1000 Genomes Project 0.00200; ESP Exome Variant Server 0.00208; TOPMed 0.00265.
gnomAD v4.1: 708 of 1,606,678 alleles (0.044%); highest among the groups gnomAD compares: African/African-American, 0.81%; 5 homozygotes.

Submissions (4):

Labcorp Genetics (formerly Invitae), Labcorp
Classification: Benign. Last evaluated: 2026-01-19. Review status: criteria provided, single submitter. Criteria: Invitae Variant Classification Sherloc (09022015). Collection method: clinical testing. Allele origin: germline.

Blueprint Genetics
Classification: Likely benign. Last evaluated: 2024-06-26. Review status: criteria provided, single submitter. Criteria: ACMG Guidelines, 2015. Collection method: clinical testing. Allele origin: germline.

GeneDx
Classification: Benign. Last evaluated: 2015-03-24. Review status: criteria provided, single submitter. Criteria: GeneDx Variant Classification (06012015). Collection method: clinical testing. Allele origin: germline. Affected: yes.
Comment: This variant is considered likely benign or benign based on one or more of the following criteria: it is a conservative change, it occurs at a poorly conserved position in the protein, it is predicted to be benign by multiple in silico algorithms, and/or has population frequency not consistent with disease.

PreventionGenetics, part of Exact Sciences
Classification: Benign for DNM1L-related condition. Last evaluated: 2019-12-11. Review status: no assertion criteria provided. Collection method: clinical testing. Allele origin: germline. Not counted in ClinVar's aggregate classification.
Comment: This variant is classified as benign based on ACMG/AMP sequence variant interpretation guidelines (Richards et al. 2015 PMID: 25741868, with internal and published modifications).